The following is an entry in ClinVar:

NM_014225.6(PPP2R1A):c.96C>G (p.Ile32Met)

Gene: PPP2R1A (protein phosphatase 2 scaffold subunit Aalpha; plus strand). Cytogenetic location: 19q13.41.
Variant type: single nucleotide variant.
Coding change: c.96C>G on transcript NM_014225.6 (MANE Select); coding-DNA position 96, C replaced by G.
Protein change: p.Ile32Met; replaces isoleucine 32 with methionine.
Molecular consequence: missense variant. On other transcripts: 5 prime UTR variant (1), non-coding transcript variant (1).
Genome position (GRCh38, 1-based): chr19:52,201,961, C>G. VCF-style: chr19-52201961-C-G. GRCh37 (hg19) VCF-style: chr19-52705214-C-G.
Other names: c.-442C>G (NM_001363656.2); short protein forms I32M.
Identifiers: ClinVar variation 2498148 (VCV002498148.3), dbSNP rs2514079238, ClinGen allele CA407180395.

ClinVar aggregate classification (germline): Likely pathogenic (0 of 4 stars; one submission).

Conditions:
Houge-Janssens syndrome 2. Also called: Microcephaly-corpus callosum hypoplasia-intellectual disability-facial dysmorphism syndrome; PPP2R1A-Related Neurodevelopmental Disorder; INTELLECTUAL DEVELOPMENTAL DISORDER, AUTOSOMAL DOMINANT 36. Identifiers: Orphanet 457284, MedGen C4225352, MONDO:0014605, OMIM 616362.

Submission:

Undiagnosed Diseases Network, NIH
Classification: Likely pathogenic for Houge-Janssens syndrome 2. Last evaluated: 2022-11-07. Review status: no assertion criteria provided. Collection method: clinical testing. Allele origin: de novo. Affected: yes. Observed: 1 variant allele, 1 heterozygote.